The following is an entry in ClinVar:

NM_002878.4(RAD51D):c.140_141insAA (p.Tyr47Ter)

Genes: RAD51D (RAD51 paralog D; minus strand), RAD51L3-RFFL (RAD51L3-RFFL readthrough; minus strand). Cytogenetic location: 17q12.
Variant type: Insertion.
Coding change: c.140_141insAA on transcript NM_002878.4 (MANE Select); coding-DNA positions 140 to 141, AA inserted.
Protein change: p.Tyr47Ter; replaces tyrosine 47 with a stop codon.
Molecular consequence: nonsense. On other transcripts: non-coding transcript variant (2).
Genome position: GRCh38 VCF-style: chr17-35119114-G-GTT. GRCh37 (hg19) VCF-style: chr17-33446133-G-GTT.
Other names: c.140_141insAA, p.Tyr47Ter (NM_001142571.2, NM_133629.3); short protein forms Y47*.
Identifiers: ClinVar variation 142811 (VCV000142811.13), dbSNP rs587782736, ClinGen allele CA169471.

ClinVar aggregate classification (germline): Pathogenic. Review status: criteria provided, multiple submitters, no conflicts (2 of 4 stars). 3 submissions from 3 submitters: Pathogenic (3). Last evaluated 2024-01-04.

Conditions:
Breast-ovarian cancer, familial, susceptibility to, 4. Identifiers: Orphanet 145, MedGen C3280345, MONDO:0013669, OMIM 614291.
Hereditary cancer-predisposing syndrome. Also called: Hereditary Cancer Syndrome; Neoplastic Syndromes, Hereditary; Hereditary neoplastic syndrome; Tumor predisposition. Identifiers: Orphanet 140162, MedGen C0027672, MeSH D009386, MONDO:0015356.

Submissions (3):

Myriad Genetics, Inc.
Classification: Pathogenic for Breast-ovarian cancer, familial, susceptibility to, 4. Last evaluated: 2024-01-04. Review status: criteria provided, single submitter. Criteria: Myriad Autosomal Dominant, Autosomal Recessive and X-Linked Classification Criteria (2023). Collection method: clinical testing. Allele origin: unknown.
Comment: This variant is considered pathogenic. This variant creates a termination codon and is predicted to result in premature protein truncation.

Ambry Genetics
Classification: Pathogenic for Hereditary cancer-predisposing syndrome. Last evaluated: 2023-09-07. Review status: criteria provided, single submitter. Criteria: Ambry Variant Classification Scheme 2023. Collection method: clinical testing. Allele origin: germline.
Comment: The c.140_141insAA pathogenic mutation, located in coding exon 2 of the RAD51D gene, results from an insertion of two nucleotides at position 140, causing a translational frameshift with a predicted alternate stop codon (p.Y47*). In addition to the clinical data presented in the literature, this alteration is expected to result in loss of function by premature protein truncation or nonsense-mediated mRNA decay. As such, this alteration is interpreted as a disease-causing mutation.

Labcorp Genetics (formerly Invitae), Labcorp
Classification: Pathogenic for Breast-ovarian cancer, familial, susceptibility to, 4. Last evaluated: 2023-01-16. Review status: criteria provided, single submitter. Criteria: Invitae Variant Classification Sherloc (09022015). Collection method: clinical testing. Allele origin: germline.
Comment: For these reasons, this variant has been classified as Pathogenic. ClinVar contains an entry for this variant (Variation ID: 142811). This premature translational stop signal has been observed in individual(s) with ovarian cancer (PMID: 24240112). This variant is not present in population databases (gnomAD no frequency). This sequence change creates a premature translational stop signal (p.Tyr47*) in the RAD51D gene. It is expected to result in an absent or disrupted protein product. Loss-of-function variants in RAD51D are known to be pathogenic (PMID: 21822267).

Literature cited by the submitters: PubMed 24240112 (cited by Ambry Genetics and Labcorp Genetics (formerly Invitae), Labcorp); PubMed 28152038 (cited by Ambry Genetics); PubMed 21822267 (cited by Labcorp Genetics (formerly Invitae), Labcorp).